The following is an entry in ClinVar:

NM_178229.5(IQGAP3):c.236T>C (p.Val79Ala)

Gene: IQGAP3 (IQ motif containing GTPase activating protein 3; minus strand). Cytogenetic location: 1q22.
Variant type: single nucleotide variant.
Coding change: c.236T>C on transcript NM_178229.5 (MANE Select); coding-DNA position 236, T replaced by C.
Protein change: p.Val79Ala; replaces valine 79 with alanine.
Molecular consequence: missense variant.
Genome position (GRCh38, 1-based): chr1:156,566,436, A>G on the plus strand (T>C on the coding strand, the complement: IQGAP3 is on the minus strand). VCF-style: chr1-156566436-A-G. GRCh37 (hg19) VCF-style: chr1-156536228-A-G.
Other names: short protein forms V79A.
Identifiers: ClinVar variation 3344515 (VCV003344515.1).

ClinVar aggregate classification (germline): Uncertain significance (0 of 4 stars; one submission).

Conditions:
IQGAP3-related disorder. Also called: IQGAP3-related condition.

Submission:

PreventionGenetics, part of Exact Sciences
Classification: Uncertain significance for IQGAP3-related condition. Last evaluated: 2024-05-16. Review status: no assertion criteria provided. Collection method: clinical testing. Allele origin: germline.
Comment: The IQGAP3 c.236T>C variant is predicted to result in the amino acid substitution p.Val79Ala. To our knowledge, this variant has not been reported in the literature or in a large population database, indicating this variant is rare. At this time, the clinical significance of this variant is uncertain due to the absence of conclusive functional and genetic evidence.